The following is an entry in ClinVar:

NM_004656.4(BAP1):c.501G>A (p.Ala167=)

Gene: BAP1 (BRCA1 associated deubiquitinase 1; minus strand). Cytogenetic location: 3p21.1.
Variant type: single nucleotide variant.
Coding change: c.501G>A on transcript NM_004656.4 (MANE Select); coding-DNA position 501, G replaced by A.
Protein change: p.Ala167=; no amino-acid change (alanine 167 retained).
Molecular consequence: synonymous variant.
Genome position (GRCh38, 1-based): chr3:52,407,253, C>T on the plus strand (G>A on the coding strand, the complement: BAP1 is on the minus strand). VCF-style: chr3-52407253-C-T. GRCh37 (hg19) VCF-style: chr3-52441269-C-T.
Other names: p.Ala167=; c.501G>A (LRG_529t1).
Identifiers: ClinVar variation 240060 (VCV000240060.62), dbSNP rs148631953, ClinGen allele CA2437063.

ClinVar aggregate classification (germline): Benign/Likely benign. Review status: criteria provided, multiple submitters, no conflicts (2 of 4 stars). 17 submissions from 16 submitters: Benign (7); Likely benign (10). Last evaluated 2026-09-01.

Conditions:
Melanoma, uveal, susceptibility to, 2 (UVM2). Also called: Melanoma, uveal 2. Identifiers: Orphanet 39044, MedGen C1847723, MONDO:0011696, OMIM 606661.
Hereditary cancer-predisposing syndrome. Also called: Hereditary neoplastic syndrome; Hereditary Cancer Syndrome; Neoplastic Syndromes, Hereditary; Tumor predisposition. Identifiers: Orphanet 140162, MedGen C0027672, MeSH D009386, MONDO:0015356.
BAP1-related tumor predisposition syndrome (TPDS1). Also called: COMMON Syndrome; TUMOR PREDISPOSITION SYNDROME 1; BAP1 tumor predisposition syndrome; Tumor susceptibility linked to germline BAP1 mutations. Identifiers: Orphanet 289539, MedGen C3280492, MONDO:0013692, OMIM 614327.

Allele frequency attached by ClinVar (database versions not stated): gnomAD 0.00050 and 0.00052; TOPMed 0.00055; ExAC 0.00061; gnomAD exomes 0.00069; 1000 Genomes Project 30x 0.00078; ESP Exome Variant Server 0.00085; 1000 Genomes Project 0.00100.

Submissions (17):

CeGaT Center for Human Genetics Tuebingen
Classification: Likely benign. Last evaluated: 2026-09-01. Review status: criteria provided, single submitter. Criteria: CeGaT Center For Human Genetics Tuebingen Variant Classification Criteria Version 2. Collection method: clinical testing. Allele origin: germline. Affected: yes. Observed: 16 variant alleles.
Comment: BAP1: BP4, BP7

Labcorp Genetics (formerly Invitae), Labcorp
Classification: Benign for BAP1-related tumor predisposition syndrome. Last evaluated: 2026-02-02. Review status: criteria provided, single submitter. Criteria: Invitae Variant Classification Sherloc (09022015). Collection method: clinical testing. Allele origin: germline.

Mayo Clinic Laboratories, Mayo Clinic
Classification: Likely benign. Last evaluated: 2025-04-22. Review status: criteria provided, single submitter. Criteria: ACMG Guidelines, 2015. Collection method: clinical testing. Allele origin: germline. Observed: 1 variant allele.
Comment: BS1, BP4, BP7

Center for Genomic Medicine, Rigshospitalet, Copenhagen University Hospital
Classification: Likely benign. Last evaluated: 2025-03-04. Review status: criteria provided, single submitter. Criteria: ACMG Guidelines, 2015. Collection method: clinical testing. Allele origin: germline.

KCCC/NGS Laboratory, Kuwait Cancer Control Center
Classification: Benign for BAP1-related tumor predisposition syndrome. Last evaluated: 2025-02-01. Review status: criteria provided, single submitter. Criteria: ACMG Guidelines, 2015. Collection method: clinical testing. Allele origin: germline. Affected: no.

Blueprint Genetics
Classification: Likely benign. Last evaluated: 2024-11-25. Review status: criteria provided, single submitter. Criteria: ACMG Guidelines, 2015. Collection method: clinical testing. Allele origin: germline.

Department of Pathology and Laboratory Medicine, Sinai Health System
Classification: Likely benign for BAP1-related tumor predisposition syndrome. Last evaluated: 2024-07-12. Review status: criteria provided, single submitter. Criteria: ACMG Guidelines, 2015. Collection method: clinical testing. Allele origin: germline.

Myriad Genetics, Inc.
Classification: Benign for BAP1-related tumor predisposition syndrome. Last evaluated: 2024-07-12. Review status: criteria provided, single submitter. Criteria: Myriad Autosomal Dominant, Autosomal Recessive and X-Linked Classification Criteria (2023). Collection method: clinical testing. Allele origin: unknown.
Comment: This variant is considered benign. This variant is a silent/synonymous amino acid change and it is not expected to impact splicing.

Molecular Pathology, Peter Maccallum Cancer Centre
Classification: Likely benign for BAP1-related tumor predisposition syndrome. Last evaluated: 2024-06-17. Review status: criteria provided, single submitter. Criteria: ACMG Guidelines, 2015. Collection method: clinical testing. Allele origin: germline. Inheritance: Autosomal dominant inheritance.

KCCC/NGS Laboratory, Kuwait Cancer Control Center
Classification: Benign for Melanoma, uveal, susceptibility to, 2. Last evaluated: 2023-07-07. Review status: criteria provided, single submitter. Criteria: ACMG Guidelines, 2015. Collection method: clinical testing. Allele origin: germline. Affected: yes.

Sema4
Classification: Benign for Hereditary cancer-predisposing syndrome. Last evaluated: 2021-01-28. Review status: criteria provided, single submitter. Criteria: Sema4 Curation Guidelines. Collection method: curation. Allele origin: germline.

Genetic Services Laboratory, University of Chicago
Classification: Benign. Last evaluated: 2020-08-12. Review status: criteria provided, single submitter. Criteria: ACMG Guidelines, 2015. Collection method: clinical testing. Allele origin: germline. Affected: no.

GeneDx
Classification: Likely benign. Last evaluated: 2018-02-09. Review status: criteria provided, single submitter. Criteria: GeneDx Variant Classification (06012015). Collection method: clinical testing. Allele origin: germline. Affected: yes.
Comment: This variant is considered likely benign or benign based on one or more of the following criteria: it is a conservative change, it occurs at a poorly conserved position in the protein, it is predicted to be benign by multiple in silico algorithms, and/or has population frequency not consistent with disease.

Illumina Laboratory Services, Illumina
Classification: Benign for BAP1-related tumor predisposition syndrome. Last evaluated: 2018-01-13. Review status: criteria provided, single submitter. Criteria: ICSL Variant Classification Criteria 13 December 2019. Collection method: clinical testing. Allele origin: germline.
Comment: This variant was observed in the ICSL laboratory as part of a predisposition screen in an ostensibly healthy population. It had not been previously curated by ICSL or reported in the Human Gene Mutation Database (HGMD: prior to June 1st, 2018), and was therefore a candidate for classification through an automated scoring system. Utilizing variant allele frequency, disease prevalence and penetrance estimates, and inheritance mode, an automated score was calculated to assess if this variant is too frequent to cause the disease. Based on the score and internal cut-off values, a variant classified as benign is not then subjected to further curation. The score for this variant resulted in a classification of benign for this disease.

Color Diagnostics, LLC DBA Color Health
Classification: Likely benign for Hereditary cancer-predisposing syndrome. Last evaluated: 2016-03-18. Review status: criteria provided, single submitter. Criteria: ACMG Guidelines, 2015. Collection method: clinical testing. Allele origin: germline.

Ambry Genetics
Classification: Likely benign for Hereditary cancer-predisposing syndrome. Last evaluated: 2015-09-16. Review status: criteria provided, single submitter. Criteria: Ambry Variant Classification Scheme 2023. Collection method: clinical testing. Allele origin: germline.

Breakthrough Genomics
Classification: Likely benign. Review status: criteria provided, single submitter. Criteria: ACMG Guidelines, 2015. Collection method: not provided. Allele origin: germline. Inheritance: Autosomal dominant inheritance. Affected: yes.